The following is an entry in ClinVar:

ClinVar aggregate classification (germline): Likely benign. Review status: criteria provided, multiple submitters, no conflicts (2 of 4 stars). 2 submissions from 2 submitters: Likely benign (2). Last evaluated 2025-10-09.

Allele frequency attached by ClinVar (database versions not stated): 1000 Genomes Project 0.00040; 1000 Genomes Project 30x 0.00094; ExAC 0.00394.
gnomAD v4.1: 189 of 1,418,966 alleles (0.013%); highest among the groups gnomAD compares: South Asian, 0.2%; no homozygotes.

Submissions (2):

Labcorp Genetics (formerly Invitae), Labcorp
Classification: Likely benign. Last evaluated: 2025-10-09. Review status: criteria provided, single submitter. Criteria: Invitae Variant Classification Sherloc (09022015). Collection method: clinical testing. Allele origin: germline.

CeGaT Center for Human Genetics Tuebingen
Classification: Likely benign. Last evaluated: 2022-11-01. Review status: criteria provided, single submitter. Criteria: CeGaT Center For Human Genetics Tuebingen Variant Classification Criteria Version 2. Collection method: clinical testing. Allele origin: germline. Affected: yes. Observed: 1 variant allele.
Comment: SPEG: BP4, BP7

NM_005876.5(SPEG):c.6045G>C (p.Ser2015=)

Genes: ASIC4-AS1 (ASIC4 antisense RNA 1; minus strand), SPEG (striated muscle enriched protein kinase; plus strand). Cytogenetic location: 2q35.
Variant type: single nucleotide variant.
Coding change: c.6045G>C on transcript NM_005876.5 (MANE Select); coding-DNA position 6045, G replaced by C.
Protein change: p.Ser2015=; no amino-acid change (serine 2015 retained).
Molecular consequence: synonymous variant.
Genome position (GRCh38, 1-based): chr2:219,483,508, G>C. VCF-style: chr2-219483508-G-C. GRCh37 (hg19) VCF-style: chr2-220348230-G-C.
Identifiers: ClinVar variation 2068885 (VCV002068885.28), dbSNP rs569235160, ClinGen allele CA2126990.